The following is an entry in ClinVar:

ClinVar aggregate classification (germline): Uncertain significance (1 of 4 stars; one submission).

Conditions:
Cone-rod dystrophy 2 (CORD2). Also called: CONE-ROD RETINAL DYSTROPHY; Cone-rod retinal dystrophy 2. Identifiers: Orphanet 1872, MedGen C3489532, MONDO:0007362, OMIM 120970.
Leber congenital amaurosis 7 (LCA7). Identifiers: Orphanet 65, MedGen C3151192, MONDO:0013449, OMIM 613829.

Submission:

Labcorp Genetics (formerly Invitae), Labcorp
Classification: Uncertain significance for Cone-rod dystrophy 2; Leber congenital amaurosis 7. Last evaluated: 2024-07-23. Review status: criteria provided, single submitter. Criteria: Invitae Variant Classification Sherloc (09022015). Collection method: clinical testing. Allele origin: germline.
Comment: This sequence change replaces serine, which is neutral and polar, with isoleucine, which is neutral and non-polar, at codon 22 of the CRX protein (p.Ser22Ile). This variant is not present in population databases (gnomAD no frequency). This variant has not been reported in the literature in individuals affected with CRX-related conditions. Advanced modeling of protein sequence and biophysical properties (such as structural, functional, and spatial information, amino acid conservation, physicochemical variation, residue mobility, and thermodynamic stability) performed at Invitae indicates that this missense variant is not expected to disrupt CRX protein function with a negative predictive value of 80%. In summary, the available evidence is currently insufficient to determine the role of this variant in disease. Therefore, it has been classified as a Variant of Uncertain Significance.

NM_000554.6(CRX):c.65G>T (p.Ser22Ile)

Gene: CRX (cone-rod homeobox; plus strand). Cytogenetic location: 19q13.33.
Variant type: single nucleotide variant.
Coding change: c.65G>T on transcript NM_000554.6 (MANE Select); coding-DNA position 65, G replaced by T.
Protein change: p.Ser22Ile; replaces serine 22 with isoleucine.
Molecular consequence: missense variant.
Genome position (GRCh38, 1-based): chr19:47,834,508, G>T. VCF-style: chr19-47834508-G-T. GRCh37 (hg19) VCF-style: chr19-48337765-G-T.
Other names: short protein forms S22I.
Identifiers: ClinVar variation 3757169 (VCV003757169.2).
Genomic context (GRCh38, chr19:47,834,508, plus strand): 5'-TGGCGTATATGAACCCGGGGCCCCACTATTCTGTCAACGCCTTGGCCCTAAGTGGCCCCA[G>T]TGTGGATCTGATGCACCAGGCTGTGCCCTACCCAAGTGAGTACAGTCGTTTCTCTTGGCA-3'
Protein context (NP_000545.1, residues 12-32): SVNALALSGP[Ser22Ile]VDLMHQAVPY